The following is an entry in ClinVar:

ClinVar aggregate classification (germline): Uncertain significance (1 of 4 stars; one submission).

Conditions:
Pitt-Hopkins-like syndrome 2 (PTHSL2). Identifiers: Orphanet 221150, Orphanet 600663, MedGen C3280479, MONDO:0013690, OMIM 614325.

Allele frequency attached by ClinVar (database versions not stated): gnomAD exomes below 0.00001; TOPMed below 0.00001; ExAC 0.00001; ESP Exome Variant Server 0.00008.

Submission:

Labcorp Genetics (formerly Invitae), Labcorp
Classification: Uncertain significance for Pitt-Hopkins-like syndrome 2. Last evaluated: 2021-10-21. Review status: criteria provided, single submitter. Criteria: Invitae Variant Classification Sherloc (09022015). Collection method: clinical testing. Allele origin: germline.
Comment: This sequence change falls in intron 22 of the NRXN1 gene. It does not directly change the encoded amino acid sequence of the NRXN1 protein. It affects a nucleotide within the consensus splice site. This variant is present in population databases (rs371752081, ExAC 0.002%). This variant has not been reported in the literature in individuals affected with NRXN1-related conditions. Variants that disrupt the consensus splice site are a relatively common cause of aberrant splicing (PMID: 17576681, 9536098). Algorithms developed to predict the effect of sequence changes on RNA splicing suggest that this variant may disrupt the consensus splice site. In summary, the available evidence is currently insufficient to determine the role of this variant in disease. Therefore, it has been classified as a Variant of Uncertain Significance.

Literature cited by the submitters: PubMed 17576681; PubMed 9536098.

NM_001330078.2(NRXN1):c.4129-3C>T

Gene: NRXN1 (neurexin 1; minus strand). Cytogenetic location: 2p16.3.
Variant type: single nucleotide variant.
Coding change: c.4129-3C>T on transcript NM_001330078.2 (MANE Select); 3 bases into the intron before coding-DNA position 4129, C replaced by T.
Molecular consequence: intron variant.
Genome position (GRCh38, 1-based): chr2:49,943,794, G>A on the plus strand (C>T on the coding strand, the complement: NRXN1 is on the minus strand). VCF-style: chr2-49943794-G-A. GRCh37 (hg19) VCF-style: chr2-50170932-G-A.
Other names: c.3928-3C>T (NM_001330096.2, NM_001330087.2); c.3973-3C>T (NM_001330083.2); c.4063-3C>T (NM_001330084.2); c.3958-3C>T (NM_001330088.2); c.4126-3C>T (NM_001330093.2); c.4117-3C>T (NM_001330094.2); c.3988-3C>T (NM_001330095.2); c.4105-3C>T (NM_001330082.2, NM_001330077.2); and 7 more.
Identifiers: ClinVar variation 1512835 (VCV001512835.6), dbSNP rs371752081, ClinGen allele CA1654268.